The following is an entry in ClinVar:

ClinVar aggregate classification (germline): Uncertain significance (1 of 4 stars; one submission).

Conditions:
Gorlin syndrome. Also called: Nevoid Basal Cell Carcinoma Syndrome; Basal cell nevus syndrome. Identifiers: Orphanet 377, MedGen C0004779, MONDO:0007187.

Submission:

Labcorp Genetics (formerly Invitae), Labcorp
Classification: Uncertain significance for Gorlin syndrome. Last evaluated: 2024-12-26. Review status: criteria provided, single submitter. Criteria: Invitae Variant Classification Sherloc (09022015). Collection method: clinical testing. Allele origin: germline.
Comment: This sequence change replaces leucine, which is neutral and non-polar, with glutamine, which is neutral and polar, at codon 759 of the PTCH2 protein (p.Leu759Gln). This variant is not present in population databases (gnomAD no frequency). This variant has not been reported in the literature in individuals affected with PTCH2-related conditions. ClinVar contains an entry for this variant (Variation ID: 1401150). Invitae Evidence Modeling of protein sequence and biophysical properties (such as structural, functional, and spatial information, amino acid conservation, physicochemical variation, residue mobility, and thermodynamic stability) has been performed for this missense variant. However, the output from this modeling did not meet the statistical confidence thresholds required to predict the impact of this variant on PTCH2 protein function. Algorithms developed to predict the effect of sequence changes on RNA splicing suggest that this variant may create or strengthen a splice site. In summary, the available evidence is currently insufficient to determine the role of this variant in disease. Therefore, it has been classified as a Variant of Uncertain Significance.

NM_003738.5(PTCH2):c.2276T>A (p.Leu759Gln)

Gene: PTCH2 (patched 2; minus strand). Cytogenetic location: 1p34.1.
Variant type: single nucleotide variant.
Coding change: c.2276T>A on transcript NM_003738.5 (MANE Select); coding-DNA position 2276, T replaced by A.
Protein change: p.Leu759Gln; replaces leucine 759 with glutamine.
Molecular consequence: missense variant.
Genome position (GRCh38, 1-based): chr1:44,827,497, A>T on the plus strand (T>A on the coding strand, the complement: PTCH2 is on the minus strand). VCF-style: chr1-44827497-A-T. GRCh37 (hg19) VCF-style: chr1-45293169-A-T.
Other names: c.2276T>A, p.Leu759Gln (NM_001166292.2); short protein forms L759Q.
Identifiers: ClinVar variation 1401150 (VCV001401150.5), dbSNP rs2148875381, ClinGen allele CA340096423.
Genomic context (GRCh38, chr1:44,827,497, plus strand): 5'-CGGGGTGCCTGGGTGGCCGGTGGGGGCAGCACCGCCTTGAGGGAACTGAAGCGCTGGTGC[A>T]GATCAAAGAGGGCGCGTTGGGAGTGGGCGTAGTCAAAGCCACCCTGGGTCACCAGGGCCA-3'
Protein context (NP_003729.3, residues 749-769): YAHSQRALFD[Leu759Gln]HQRFSSLKAV